The following is an entry in ClinVar:

NM_000152.5(GAA):c.76C>T (p.Leu26Phe)

Gene: GAA (alpha glucosidase; plus strand). Cytogenetic location: 17q25.3.
Variant type: single nucleotide variant.
Coding change: c.76C>T on transcript NM_000152.5 (MANE Select); coding-DNA position 76, C replaced by T.
Protein change: p.Leu26Phe; replaces leucine 26 with phenylalanine.
Molecular consequence: missense variant.
Genome position (GRCh38, 1-based): chr17:80,104,662, C>T. VCF-style: chr17-80104662-C-T. GRCh37 (hg19) VCF-style: chr17-78078461-C-T.
Other names: c.76C>T, p.Leu26Phe (NM_001079803.3, NM_001079804.3); short protein forms L26F.
Identifiers: ClinVar variation 593243 (VCV000593243.20), dbSNP rs149761650, ClinGen allele CA8814783.

ClinVar aggregate classification (germline): Uncertain significance. Review status: criteria provided, multiple submitters, no conflicts (2 of 4 stars). 6 submissions from 6 submitters: Uncertain significance (5). 1 of the submissions does not count toward it. Last evaluated 2023-04-25.

Conditions:
Glycogen storage disease, type II (IOPD). Also called: GLYCOGENOSIS, GENERALIZED, CARDIAC FORM; GSD II; Pompe Disease; Glycogen storage disease type 2; Acid maltase deficiency disease; Aglucosidase alfa. Identifiers: Orphanet 365, MedGen C0017921, MONDO:0009290, OMIM 232300.

Allele frequency attached by ClinVar (database versions not stated): ExAC 0.00001; gnomAD exomes 0.00001 and 0.00002; ESP Exome Variant Server 0.00008; gnomAD 0.00008 and 0.00010; TOPMed 0.00008.

Submissions (6):

Revvity Omics, Revvity
Classification: Uncertain significance. Last evaluated: 2023-04-25. Review status: criteria provided, single submitter. Criteria: ACMG Guidelines, 2015. Collection method: clinical testing. Allele origin: germline.

Labcorp Genetics (formerly Invitae), Labcorp
Classification: Uncertain significance for Glycogen storage disease, type II. Last evaluated: 2022-07-05. Review status: criteria provided, single submitter. Criteria: Invitae Variant Classification Sherloc (09022015). Collection method: clinical testing. Allele origin: germline.
Comment: This sequence change replaces leucine, which is neutral and non-polar, with phenylalanine, which is neutral and non-polar, at codon 26 of the GAA protein (p.Leu26Phe). This variant is present in population databases (rs149761650, gnomAD 0.03%). This variant has not been reported in the literature in individuals affected with GAA-related conditions. ClinVar contains an entry for this variant (Variation ID: 593243). Advanced modeling of protein sequence and biophysical properties (such as structural, functional, and spatial information, amino acid conservation, physicochemical variation, residue mobility, and thermodynamic stability) performed at Invitae indicates that this missense variant is not expected to disrupt GAA protein function. In summary, the available evidence is currently insufficient to determine the role of this variant in disease. Therefore, it has been classified as a Variant of Uncertain Significance.

Baylor Genetics
Classification: Uncertain significance for Glycogen storage disease, type II. Last evaluated: 2022-01-27. Review status: criteria provided, single submitter. Criteria: ACMG Guidelines, 2015. Collection method: clinical testing. Allele origin: unknown.

Genome-Nilou Lab
Classification: Uncertain significance for Glycogen storage disease, type II. Last evaluated: 2021-09-05. Review status: criteria provided, single submitter. Criteria: ACMG Guidelines, 2015. Collection method: clinical testing. Allele origin: germline. Affected: no.

Eurofins Ntd Llc (ga)
Classification: Uncertain significance. Last evaluated: 2017-07-17. Review status: criteria provided, single submitter. Criteria: EGL Classification Definitions 2015. Collection method: clinical testing. Allele origin: germline. Observed: 1 variant allele, 1 heterozygote.

Natera, Inc.
Classification: Uncertain significance for Glycogen storage disease type II. Last evaluated: 2019-10-28. Review status: no assertion criteria provided. Collection method: clinical testing. Allele origin: germline. Not counted in ClinVar's aggregate classification.